The following is an entry in ClinVar:

NM_000719.7(CACNA1C):c.6307G>T (p.Ala2103Ser)

Genes: CACNA1C-AS1 (CACNA1C antisense RNA 1; minus strand), CACNA1C (calcium voltage-gated channel subunit alpha1 C; plus strand). Cytogenetic location: 12p13.33.
Variant type: single nucleotide variant.
Coding change: c.6307G>T on transcript NM_000719.7 (MANE Select); coding-DNA position 6307, G replaced by T.
Protein change: p.Ala2103Ser; replaces alanine 2103 with serine.
Molecular consequence: missense variant. On other transcripts: non-coding transcript variant (1).
Genome position (GRCh38, 1-based): chr12:2,691,089, G>T. VCF-style: chr12-2691089-G-T. GRCh37 (hg19) VCF-style: chr12-2800255-G-T.
Other names: p.A2103S:GCG>TCG; c.6451G>T, p.Ala2151Ser (NM_001129827.2); c.6325G>T, p.Ala2109Ser (NM_001129839.2); c.6307G>T, p.Ala2103Ser (NM_001129840.2, NM_001129841.2, NM_001129842.2 and 2 more transcripts); c.6298G>T, p.Ala2100Ser (NM_001129844.2); c.6274G>T, p.Ala2092Ser (NM_001129846.2); c.6412G>T, p.Ala2138Ser (NM_001167624.3, NM_001129830.3); c.6487G>T, p.Ala2163Ser (NM_001167625.2); and 7 more; short protein forms A2103S, A2138S, A2151S, A2163S, A2186S, A2111S, A2144S, A2100S.
Identifiers: ClinVar variation 35771 (VCV000035771.8), dbSNP rs193922616, ClinGen allele CA213545.
Genomic context (GRCh38, chr12:2,691,089, plus strand): 5'-AGCGGGGGCGCCCCACAGAGCCCCAATGGCGCCCTCTTACCCTTTGTGAACTGCAGGGAC[G>T]CGGGGCAGGACCGAGCCGGGGGCGAAGAGGACGCGGGCTGTGTGCGCGCGCGGGGTCGAC-3'
Protein context (NP_000710.5, residues 2093-2113): ALLPFVNCRD[Ala2103Ser]GQDRAGGEED

ClinVar aggregate classification (germline): Conflicting classifications of pathogenicity. Review status: criteria provided, conflicting classifications (1 of 4 stars). 4 submissions from 4 submitters: Likely pathogenic (1); Uncertain significance (1); Likely benign (2). Last evaluated 2024-12-16.

Conditions:
Cardiac arrhythmia. Also called: Arrhythmia; Cardiac rhythm disease. Identifiers: MedGen C0003811, MONDO:0007263, HP:0011675.
Cardiovascular phenotype. Identifiers: MedGen CN230736.
Long QT syndrome (LQTS). Identifiers: MedGen C0023976, MeSH D008133, MONDO:0002442. Disease mechanism: loss of function. Inheritance: Various modes of inheritance.

Allele frequency attached by ClinVar (database versions not stated): TOPMed 0.00001.

Submissions (4):

Ambry Genetics
Classification: Likely benign for Cardiovascular phenotype. Last evaluated: 2024-12-16. Review status: criteria provided, single submitter. Criteria: Ambry Variant Classification Scheme 2023. Collection method: clinical testing. Allele origin: germline.

Labcorp Genetics (formerly Invitae), Labcorp
Classification: Uncertain significance for Long QT syndrome. Last evaluated: 2021-09-01. Review status: criteria provided, single submitter. Criteria: Invitae Variant Classification Sherloc (09022015). Collection method: clinical testing. Allele origin: germline.

GeneDx
Classification: Likely benign. Last evaluated: 2013-04-10. Review status: criteria provided, single submitter. Criteria: GeneDx Variant Classification (06012015). Collection method: clinical testing. Allele origin: germline. Affected: yes.
Comment: This variant is considered likely benign or benign based on one or more of the following criteria: it is a conservative change, it occurs at a poorly conserved position in the protein, it is predicted to be benign by multiple in silico algorithms, and/or has population frequency not consistent with disease.

Women's Health and Genetics/Laboratory Corporation of America, LabCorp
Classification: Likely pathogenic for Arrhythmia. Last evaluated: 2011-08-18. Review status: criteria provided, single submitter. Criteria: LabCorp Variant Classification Summary - May 2015. Collection method: curation. Allele origin: germline. Inheritance: autosomal unknown. Affected: yes.
ClinVar note: Converted during submission from likely pathogenic to Likely pathogenic.